The following is an entry in ClinVar:

NM_000051.4(ATM):c.5836C>G (p.Gln1946Glu)

Genes: ATM (ATM serine/threonine kinase; plus strand), C11orf65 (chromosome 11 open reading frame 65; minus strand). Cytogenetic location: 11q22.3.
Variant type: single nucleotide variant.
Coding change: c.5836C>G on transcript NM_000051.4 (MANE Select); coding-DNA position 5836, C replaced by G.
Protein change: p.Gln1946Glu; replaces glutamine 1946 with glutamic acid.
Molecular consequence: missense variant. On other transcripts: intron variant (2).
Genome position (GRCh38, 1-based): chr11:108,310,233, C>G. VCF-style: chr11-108310233-C-G. GRCh37 (hg19) VCF-style: chr11-108180960-C-G.
Other names: c.5836C>G, p.Gln1946Glu (NM_001351834.2); c.641-1162G>C (NM_001330368.2); c.*39-1162G>C (NM_001351110.2); short protein forms Q1946E.
Identifiers: ClinVar variation 3655395 (VCV003655395.2).

ClinVar aggregate classification (germline): Uncertain significance (1 of 4 stars; one submission).

Conditions:
Ataxia-telangiectasia syndrome (AT). Also called: Ataxia-telangiectasia, complementation group D; AT, COMPLEMENTATION GROUP C; ATAXIA-TELANGIECTASIA, COMPLEMENTATION GROUP A; ATAXIA-TELANGIECTASIA, FRESNO VARIANT; Ataxia-telangiectasia; Ataxia-telangiectasia, complementation group E. Identifiers: Orphanet 100, MedGen C0004135, MONDO:0008840, OMIM 208900.

Submission:

Labcorp Genetics (formerly Invitae), Labcorp
Classification: Uncertain significance for Ataxia-telangiectasia syndrome. Last evaluated: 2024-06-04. Review status: criteria provided, single submitter. Criteria: Invitae Variant Classification Sherloc (09022015). Collection method: clinical testing. Allele origin: germline.
Comment: This sequence change replaces glutamine, which is neutral and polar, with glutamic acid, which is acidic and polar, at codon 1946 of the ATM protein (p.Gln1946Glu). This variant is not present in population databases (gnomAD no frequency). This variant has not been reported in the literature in individuals affected with ATM-related conditions. An algorithm developed to predict the effect of missense changes on protein structure and function (PolyPhen-2) suggests that this variant is likely to be tolerated. In summary, the available evidence is currently insufficient to determine the role of this variant in disease. Therefore, it has been classified as a Variant of Uncertain Significance.